The following is an entry in ClinVar:

ClinVar aggregate classification (germline): Uncertain significance (1 of 4 stars; one submission).

gnomAD v4.1: 20 of 1,614,022 alleles (0.0012%); highest among the groups gnomAD compares: Admixed American, 0.0033%; no homozygotes.

Submission:

Labcorp Genetics (formerly Invitae), Labcorp
Classification: Uncertain significance. Last evaluated: 2024-09-12. Review status: criteria provided, single submitter. Criteria: Invitae Variant Classification Sherloc (09022015). Collection method: clinical testing. Allele origin: germline.
Comment: This sequence change replaces valine, which is neutral and non-polar, with isoleucine, which is neutral and non-polar, at codon 470 of the CYFIP2 protein (p.Val470Ile). This variant is present in population databases (rs759348805, gnomAD 0.006%). This variant has not been reported in the literature in individuals affected with CYFIP2-related conditions. Experimental studies and prediction algorithms are not available or were not evaluated, and the functional significance of this variant is currently unknown. In summary, the available evidence is currently insufficient to determine the role of this variant in disease. Therefore, it has been classified as a Variant of Uncertain Significance.

NM_001037333.3(CYFIP2):c.1408G>A (p.Val470Ile)

Gene: CYFIP2 (cytoplasmic FMR1 interacting protein 2; plus strand). Cytogenetic location: 5q33.3.
Variant type: single nucleotide variant.
Coding change: c.1408G>A on transcript NM_001037333.3 (MANE Select); coding-DNA position 1408, G replaced by A.
Protein change: p.Val470Ile; replaces valine 470 with isoleucine.
Molecular consequence: missense variant.
Genome position (GRCh38, 1-based): chr5:157,319,813, G>A. VCF-style: chr5-157319813-G-A. GRCh37 (hg19) VCF-style: chr5-156746821-G-A.
Other names: c.1330G>A, p.Val444Ile (NM_001291721.2); c.1408G>A, p.Val470Ile (NM_001291722.2, NM_014376.4); short protein forms V444I, V470I.
Identifiers: ClinVar variation 3682358 (VCV003682358.2).